The following is an entry in ClinVar:

ClinVar aggregate classification (germline): Uncertain significance (1 of 4 stars; one submission).

Conditions:
Brown-Vialetto-van Laere syndrome 2. Also called: Riboflavin transporter deficiency type 2; SPINOCEREBELLAR ATAXIA WITH BLINDNESS AND DEAFNESS 2. Identifiers: Orphanet 572543, Orphanet 97229, MedGen C3553538, MONDO:0013867, OMIM 614707.

Allele frequency attached by ClinVar (database versions not stated): ExAC 0.00002; gnomAD exomes 0.00003 and 0.00002; gnomAD 0.00001.
gnomAD v4.1: 41 of 1,613,274 alleles (0.0025%); highest among the groups gnomAD compares: Non-Finnish European, 0.0035%; no homozygotes.

Submission:

Labcorp Genetics (formerly Invitae), Labcorp
Classification: Uncertain significance for Brown-Vialetto-van Laere syndrome 2. Last evaluated: 2022-07-19. Review status: criteria provided, single submitter. Criteria: Invitae Variant Classification Sherloc (09022015). Collection method: clinical testing. Allele origin: germline.
Comment: This sequence change replaces leucine, which is neutral and non-polar, with proline, which is neutral and non-polar, at codon 417 of the SLC52A2 protein (p.Leu417Pro). This variant is present in population databases (rs782065920, gnomAD 0.004%). This missense change has been observed in individual(s) with combined enzyme deficiencies of the mitochondrial respiratory chain (PMID: 32827528). ClinVar contains an entry for this variant (Variation ID: 1022109). Advanced modeling of protein sequence and biophysical properties (such as structural, functional, and spatial information, amino acid conservation, physicochemical variation, residue mobility, and thermodynamic stability) performed at Invitae indicates that this missense variant is expected to disrupt SLC52A2 protein function. In summary, the available evidence is currently insufficient to determine the role of this variant in disease. Therefore, it has been classified as a Variant of Uncertain Significance.

Literature cited by the submitters: PubMed 32827528.

NM_001363118.2(SLC52A2):c.1250T>C (p.Leu417Pro)

Gene: SLC52A2 (solute carrier family 52 member 2; plus strand). Cytogenetic location: 8q24.3.
Variant type: single nucleotide variant.
Coding change: c.1250T>C on transcript NM_001363118.2 (MANE Select); coding-DNA position 1250, T replaced by C.
Protein change: p.Leu417Pro; replaces leucine 417 with proline.
Molecular consequence: missense variant. On other transcripts: non-coding transcript variant (1).
Genome position (GRCh38, 1-based): chr8:144,360,927, T>C. VCF-style: chr8-144360927-T-C. GRCh37 (hg19) VCF-style: chr8-145584587-T-C.
Other names: c.1250T>C, p.Leu417Pro (NM_001253815.2, NM_001253816.2, NM_001363120.2 and 2 more transcripts); c.758T>C, p.Leu253Pro (NM_001363122.2); short protein forms L253P, L417P.
Identifiers: ClinVar variation 1022109 (VCV001022109.2), dbSNP rs782065920, ClinGen allele CA4938448.